The following is an entry in ClinVar:

NM_000944.5(PPP3CA):c.1010C>G (p.Ser337Cys)

Gene: PPP3CA (protein phosphatase 3 catalytic subunit alpha; minus strand). Cytogenetic location: 4q24.
Variant type: single nucleotide variant.
Coding change: c.1010C>G on transcript NM_000944.5 (MANE Select); coding-DNA position 1010, C replaced by G.
Protein change: p.Ser337Cys; replaces serine 337 with cysteine.
Molecular consequence: missense variant. On other transcripts: intron variant (1).
Genome position (GRCh38, 1-based): chr4:101,063,303, G>C on the plus strand (C>G on the coding strand, the complement: PPP3CA is on the minus strand). VCF-style: chr4-101063303-G-C. GRCh37 (hg19) VCF-style: chr4-101984460-G-C.
Other names: c.1010C>G, p.Ser337Cys (NM_001130691.2); c.956-2142C>G (NM_001130692.2); short protein forms S337C.
Identifiers: ClinVar variation 2832880 (VCV002832880.3), dbSNP rs2476262806, ClinGen allele CA357948919.
Genomic context (GRCh38, chr4:101,063,303, plus strand): 5'-ACAAATGGAAGGGACCAAGTAAAAACATCCATGAAATTTGGAAGCCAGTATGGATGAGGA[G>C]AACAGTTGAATTGCCTGATATTCATAACATTGTTCTCATACTTCAATACTGCAGCTAAAA-3'
Protein context (NP_000935.1, residues 327-347): NVMNIRQFNC[Ser337Cys]PHPYWLPNFM

ClinVar aggregate classification (germline): Uncertain significance (1 of 4 stars; one submission).

Allele frequency attached by ClinVar (database versions not stated): gnomAD exomes below 0.00001.
gnomAD v4.1: 1 of 1,611,244 alleles (0.000062%); highest among the groups gnomAD compares: Non-Finnish European, 0.000085%; no homozygotes.

Submission:

Labcorp Genetics (formerly Invitae), Labcorp
Classification: Uncertain significance. Last evaluated: 2023-03-24. Review status: criteria provided, single submitter. Criteria: Invitae Variant Classification Sherloc (09022015). Collection method: clinical testing. Allele origin: germline.
Comment: In summary, the available evidence is currently insufficient to determine the role of this variant in disease. Therefore, it has been classified as a Variant of Uncertain Significance. Advanced modeling of protein sequence and biophysical properties (such as structural, functional, and spatial information, amino acid conservation, physicochemical variation, residue mobility, and thermodynamic stability) performed at Invitae indicates that this missense variant is not expected to disrupt PPP3CA protein function. This variant has not been reported in the literature in individuals affected with PPP3CA-related conditions. This variant is not present in population databases (gnomAD no frequency). This sequence change replaces serine, which is neutral and polar, with cysteine, which is neutral and slightly polar, at codon 337 of the PPP3CA protein (p.Ser337Cys).